The following is an entry in ClinVar:

NM_001267550.2(TTN):c.23204G>A (p.Trp7735Ter)

Gene: TTN (titin; minus strand). Cytogenetic location: 2q31.2.
Variant type: single nucleotide variant.
Coding change: c.23204G>A on transcript NM_001267550.2 (MANE Select); coding-DNA position 23204, G replaced by A.
Protein change: p.Trp7735Ter; replaces tryptophan 7735 with a stop codon.
Molecular consequence: nonsense. On other transcripts: intron variant (3).
Genome position (GRCh38, 1-based): chr2:178,720,558, C>T on the plus strand (G>A on the coding strand, the complement: TTN is on the minus strand). VCF-style: chr2-178720558-C-T. GRCh37 (hg19) VCF-style: chr2-179585285-C-T.
Other names: c.22253G>A, p.Trp7418Ter (NM_001256850.1); c.19472G>A, p.Trp6491Ter (NM_133378.4); c.13282+17524G>A (NM_003319.4); c.13858+17524G>A (NM_133437.4); c.13657+17524G>A (NM_133432.3); short protein forms W7418*, W7735*, W6491*.
Identifiers: ClinVar variation 1989653 (VCV001989653.9), dbSNP rs1031182598, ClinGen allele CA60972179.
Genomic context (GRCh38, chr2:178,720,558, plus strand): 5'-AAATGTTTTGAAGTGATTTTAAATTTCTTGCTGTTTCTAACCTGCTTTCGATCTTTAACC[C>T]ATACTACTTCAAATGGGGGAGTTCCCGAAATTTCACATTGGAGAATCACATCAGAACCTT-3'

ClinVar aggregate classification (germline): Pathogenic/Likely pathogenic. Review status: criteria provided, multiple submitters, no conflicts (2 of 4 stars). 6 submissions from 5 submitters: Pathogenic (4); Likely pathogenic (2). Last evaluated 2026-08-06.

Conditions:
Cardiovascular phenotype. Identifiers: MedGen CN230736.
Dilated cardiomyopathy 1G (CMD1G). Identifiers: Orphanet 154, MedGen C1858763, MONDO:0011400, OMIM 604145.
Tibial muscular dystrophy (TMD). Also called: UDD MYOPATHY; Udd Distal Myopathy – Tibial Muscular Dystrophy; Tibial muscular dystrophy, tardive. Identifiers: Orphanet 609, MedGen C1838244, MONDO:0010870, OMIM 600334.
Autosomal recessive limb-girdle muscular dystrophy type 2J (LGMDR10). Also called: Limb-girdle muscular dystrophy, type 2J; MUSCULAR DYSTROPHY, LIMB-GIRDLE, AUTOSOMAL RECESSIVE 10. Identifiers: Orphanet 140922, MedGen C1837342, MONDO:0012127, OMIM 608807.

Submissions (6):

OLLIN Analises Genomicas, OLLIN
Classification: Pathogenic for Tibial muscular dystrophy. Last evaluated: 2026-08-06. Review status: criteria provided, single submitter. Criteria: ACMG Guidelines 2015 PMID 25741868. Collection method: clinical testing. Allele origin: germline. Inheritance: Autosomal dominant inheritance.
Comment: This nonsense variant, located in exon 80 (of 363), is absent from gnomAD but has been reported in ClinVar (accession VCV001989653.8) and in the scientific literature in individuals with TTN related disorders (PMID: 27869827, 32964742). This variant introduces a premature stop codon, which is predicted to result in either a truncated protein or degradation of the mRNA via nonsense-mediated decay (NMD). According to the currently available evidence, this variant has been classified as pathogenic (PVS1, PS4_P, PM2_P).

OLLIN Analises Genomicas, OLLIN
Classification: Pathogenic for Dilated cardiomyopathy 1G. Last evaluated: 2025-07-04. Review status: criteria provided, single submitter. Criteria: ACMG Guidelines 2015 PMID 25741868. Collection method: clinical testing. Allele origin: germline. Affected: yes. Observed: 1 variant allele.
Comment: The nonsense variant (chr2:178720558C>T), located in exon 77 (of 312), absent in gnomAD v4.1 non-UKB, is reported in ClinVar (VCV001989653.6) and in the scientific literature in individuals with dilated cardiomyopathy (PMID: 27869827, 32964742). This variant introduces a premature stop codon, resulting in a truncated protein or mRNA degradation via nonsense-mediated decay (NMD). According to currently available evidence, this variant has been classified as pathogenic (PVS1, PS4_P, PM2_P).

Ambry Genetics
Classification: Likely pathogenic for Cardiovascular phenotype. Last evaluated: 2025-06-27. Review status: criteria provided, single submitter. Criteria: Ambry Variant Classification Scheme 2023. Collection method: clinical testing. Allele origin: germline.
Comment: The c.23204G>A (p.W7735*) alteration, located in exon 80 (coding exon 79) of the TTN gene, consists of a G to A substitution at nucleotide position 23204. This changes the amino acid from a tryptophan (W) to a stop codon at amino acid position 7735. This alteration is expected to result in loss of function by premature protein truncation or nonsense-mediated mRNA decay. ; however, its clinical significance for autosomal dominant TTN-related dilated cardiomyopathy is uncertain. This variant was not reported in population-based cohorts in the Genome Aggregation Database (gnomAD). This truncation has been identified in the homozygous state and/or in conjunction with other TTN variant(s) in individual(s) with features consistent with TTN-related myopathy (Peri, 2017). This exon is located in the I-band region of the N2-A isoform of the titin protein and is incorporated into a significant proportion (percent spliced in or PSI >80%) of TTN transcripts expressed in skeletal muscle (Di Feo, 2024). Based on the available evidence, this alteration is classified as likely pathogenic.

GeneDx
Classification: Likely pathogenic. Last evaluated: 2025-05-15. Review status: criteria provided, single submitter. Criteria: GeneDx Variant Classification Process June 2021. Collection method: clinical testing. Allele origin: germline. Affected: yes.
Comment: Nonsense variant predicted to result in protein truncation or nonsense mediated decay in a region of a gene for which loss of function is not a well-established mechanism of disease; Not observed at significant frequency in large population cohorts (gnomAD); Has not been previously published as pathogenic or benign to our knowledge; however, a different nucleotide change (c.23205 G>A) leading to the same nonsense variant has been reported in published literature in a patient with an autosomal recessive TTN related-skeletal myopathy (PMID: 28295036); This variant is associated with the following publications: (PMID: 32528171, 28295036)

Dasa
Classification: Pathogenic. Last evaluated: 2025-05-09. Review status: criteria provided, single submitter. Criteria: DASA Assertion Criteria. Collection method: clinical testing. Allele origin: germline.
Comment: NM_001267550.2(TTN):c.23204G>A (p.Trp7735*) introduces a premature termination codon predicted to result in loss of normal protein function. Loss-of-function is an established mechanism of disease for this gene. This variant has been observed in affected individuals with related phenotype in a genotype context consistent with recessive disease (PMID: 28295036; PMID: 32528171). This variant has been recurrently observed in individuals with related phenotype (PMID: 28295036; PMID: 32528171). The variant is present at low frequency in population datasets. Based on the available data, this variant is classified as pathogenic.

Labcorp Genetics (formerly Invitae), Labcorp
Classification: Pathogenic for Dilated cardiomyopathy 1G; Autosomal recessive limb-girdle muscular dystrophy type 2J. Last evaluated: 2025-01-16. Review status: criteria provided, single submitter. Criteria: Invitae Variant Classification Sherloc (09022015). Collection method: clinical testing. Allele origin: germline.
Comment: This sequence change creates a premature translational stop signal (p.Trp7735*) in the TTN gene. While this is not anticipated to result in nonsense mediated decay, it is expected to create a truncated TTN protein. This variant is not present in population databases (gnomAD no frequency). This premature translational stop signal has been observed in individual(s) with clinical features of autosomal recessive TTN-related conditions (PMID: 28295036, 32528171). In at least one individual the data is consistent with being in trans (on the opposite chromosome) from a pathogenic variant. ClinVar contains an entry for this variant (Variation ID: 1989653). Algorithms developed to predict the effect of sequence changes on RNA splicing suggest that this variant may disrupt the consensus splice site. This variant is located in the I band of TTN (PMID: 25589632). Truncating variants in this region have been reported in individuals affected with autosomal recessive centronuclear myopathy (PMID: 23975875, internal data). Truncating variants in this region have also been identified in individuals affected with autosomal dominant dilated cardiomyopathy and/or cardio-related conditions (PMID: 27869827, 32964742, internal data). For these reasons, this variant has been classified as Pathogenic.

Literature cited by the submitters: PubMed 27869827 (cited by OLLIN Analises Genomicas, OLLIN and Labcorp Genetics (formerly Invitae), Labcorp); PubMed 32964742 (cited by OLLIN Analises Genomicas, OLLIN and Labcorp Genetics (formerly Invitae), Labcorp); PubMed 28295036 (cited by 3 submitters); PubMed 39198997 (cited by Ambry Genetics); PubMed 32528171 (cited by Dasa and Labcorp Genetics (formerly Invitae), Labcorp); PubMed 25589632 (cited by Labcorp Genetics (formerly Invitae), Labcorp); PubMed 23975875 (cited by Labcorp Genetics (formerly Invitae), Labcorp).